The following is an entry in ClinVar:

NM_004006.3(DMD):c.7748C>T (p.Thr2583Ile)

Gene: DMD (dystrophin; minus strand). Cytogenetic location: Xp21.1.
Variant type: single nucleotide variant.
Coding change: c.7748C>T on transcript NM_004006.3 (MANE Select); coding-DNA position 7748, C replaced by T.
Protein change: p.Thr2583Ile; replaces threonine 2583 with isoleucine.
Molecular consequence: missense variant.
Genome position (GRCh38, 1-based): chrX:31,679,499, G>A on the plus strand (C>T on the coding strand, the complement: DMD is on the minus strand). VCF-style: chrX-31679499-G-A. GRCh37 (hg19) VCF-style: chrX-31697616-G-A.
Other names: c.7724C>T, p.Thr2575Ile (NM_000109.4); c.7736C>T, p.Thr2579Ile (NM_004009.3); c.7379C>T, p.Thr2460Ile (NM_004010.3); c.3725C>T, p.Thr1242Ile (NM_004011.4); c.3716C>T, p.Thr1239Ile (NM_004012.4); c.368C>T, p.Thr123Ile (NM_004013.3, NM_004020.4, NM_004021.3 and 2 more transcripts); short protein forms T1239I, T1242I, T2575I, T2460I, T2579I, T2583I, T123I.
Identifiers: ClinVar variation 2068747 (VCV002068747.2), dbSNP rs986918272, ClinGen allele CA328462483.
Genomic context (GRCh38, chrX:31,679,499, plus strand): 5'-AGCTTGGCTCTGGCCTGTCCTAAGACCTGCTCAGCTTCTTCCTTAGCTTCCAGCCATTGT[G>A]TTGAATCCTTTAACATTTCATTCAACTGTTGCCTCCGGTTCTGAAGGTGTTCTTGTACTT-3'
Protein context (NP_003997.2, residues 2573-2593): QQLNEMLKDS[Thr2583Ile]QWLEAKEEAE

ClinVar aggregate classification (germline): Uncertain significance (1 of 4 stars; one submission).

Conditions:
Duchenne muscular dystrophy (DMD). Also called: MUSCULAR DYSTROPHY, PSEUDOHYPERTROPHIC PROGRESSIVE, DUCHENNE TYPE; Duchenne Muscular Dystrophy (DMD). Identifiers: Orphanet 98896, MedGen C0013264, MONDO:0010679, OMIM 310200.

Allele frequency attached by ClinVar (database versions not stated): gnomAD 0.00001; TOPMed 0.00002; gnomAD exomes 0.00004.
gnomAD v4.1: 38 of 1,210,125 alleles (0.0031%); highest among the groups gnomAD compares: Non-Finnish European, 0.0042%; no homozygotes.

Submission:

Labcorp Genetics (formerly Invitae), Labcorp
Classification: Uncertain significance for Duchenne muscular dystrophy. Last evaluated: 2025-12-16. Review status: criteria provided, single submitter. Criteria: Invitae Variant Classification Sherloc (09022015). Collection method: clinical testing. Allele origin: germline.
Comment: This sequence change replaces threonine, which is neutral and polar, with isoleucine, which is neutral and non-polar, at codon 2583 of the DMD protein (p.Thr2583Ile). The frequency data for this variant in the population databases is considered unreliable, as metrics indicate poor data quality at this position in the gnomAD database. This variant has not been reported in the literature in individuals affected with DMD-related conditions. ClinVar contains an entry for this variant (Variation ID: 2068747). Invitae Evidence Modeling of protein sequence and biophysical properties (such as structural, functional, and spatial information, amino acid conservation, physicochemical variation, residue mobility, and thermodynamic stability) indicates that this missense variant is not expected to disrupt DMD protein function with a negative predictive value of 95%. In summary, the available evidence is currently insufficient to determine the role of this variant in disease. Therefore, it has been classified as a Variant of Uncertain Significance.